The following is an entry in ClinVar:

ClinVar aggregate classification (germline): Uncertain significance (1 of 4 stars; one submission).

Conditions:
Cardiovascular phenotype. Identifiers: MedGen CN230736.

gnomAD v4.1: 1 of 1,611,528 alleles (0.000062%); highest among the groups gnomAD compares: Non-Finnish European, 0.000085%; no homozygotes.

Submission:

Ambry Genetics
Classification: Uncertain significance for Cardiovascular phenotype. Last evaluated: 2024-05-04. Review status: criteria provided, single submitter. Criteria: Ambry Variant Classification Scheme 2023. Collection method: clinical testing. Allele origin: germline.
Comment: The p.I187V variant (also known as c.559A>G), located in coding exon 4 of the FKBP14 gene, results from an A to G substitution at nucleotide position 559. The isoleucine at codon 187 is replaced by valine, an amino acid with highly similar properties. This amino acid position is conserved. In addition, the in silico prediction for this alteration is inconclusive. Based on the available evidence, the clinical significance of this variant remains unclear.

NM_017946.4(FKBP14):c.559A>G (p.Ile187Val)

Genes: FKBP14 (FKBP prolyl isomerase 14; minus strand), FKBP14-AS1 (FKBP14 antisense RNA 1; plus strand). Cytogenetic location: 7p14.3.
Variant type: single nucleotide variant.
Coding change: c.559A>G on transcript NM_017946.4 (MANE Select); coding-DNA position 559, A replaced by G.
Protein change: p.Ile187Val; replaces isoleucine 187 with valine.
Molecular consequence: missense variant. On other transcripts: non-coding transcript variant (2).
Genome position (GRCh38, 1-based): chr7:30,014,812, T>C on the plus strand (A>G on the coding strand, the complement: FKBP14 is on the minus strand). VCF-style: chr7-30014812-T-C. GRCh37 (hg19) VCF-style: chr7-30054428-T-C.
Other names: short protein forms I187V.
Identifiers: ClinVar variation 3278937 (VCV003278937.1).
Genomic context (GRCh38, chr7:30,014,812, plus strand): 5'-TATATGTAAATTCTCTGGCAGATATAAACCCATCTTTGTCTTCATCTTCTTTATCAAAAA[T>C]ATCCTCCACCAAAGCATCATGATGACTTTCATTCACCACCGCACCATGTTTTTCAAACTC-3'
Protein context (NP_060416.1, residues 177-197): ESHHDALVED[Ile187Val]FDKEDEDKDG